The following is an entry in ClinVar:

NM_014956.5(CEP164):c.1239C>T (p.Phe413=)

Gene: CEP164 (centrosomal protein 164; plus strand). Cytogenetic location: 11q23.3.
Variant type: single nucleotide variant.
Coding change: c.1239C>T on transcript NM_014956.5 (MANE Select); coding-DNA position 1239, C replaced by T.
Protein change: p.Phe413=; no amino-acid change (phenylalanine 413 retained).
Molecular consequence: synonymous variant.
Genome position (GRCh38, 1-based): chr11:117,375,713, C>T. VCF-style: chr11-117375713-C-T. GRCh37 (hg19) VCF-style: chr11-117246429-C-T.
Other names: c.1239C>T, p.Phe413= (NM_001271933.2); c.1239C>T (NM_014956.4).
Identifiers: ClinVar variation 1078578 (VCV001078578.11), dbSNP rs535461023, ClinGen allele CA6294691.

ClinVar aggregate classification (germline): Likely benign. Review status: criteria provided, multiple submitters, no conflicts (2 of 4 stars). 3 submissions from 3 submitters: Likely benign (3). Last evaluated 2025-09-06.

Conditions:
CEP164-related disorder. Also called: CEP164-related condition.
Nephronophthisis 15 (NPHP15). Identifiers: Orphanet 3156, MedGen C3541853, MONDO:0013917, OMIM 614845.

Allele frequency attached by ClinVar (database versions not stated): gnomAD 0.00001 and 0.00004; TOPMed 0.00001; ExAC 0.00003; gnomAD exomes 0.00005 and 0.00007; 1000 Genomes Project 0.00020; 1000 Genomes Project 30x 0.00031.
gnomAD v4.1: 80 of 1,614,026 alleles (0.005%); highest among the groups gnomAD compares: South Asian, 0.049%; no homozygotes.

Submissions (3):

Labcorp Genetics (formerly Invitae), Labcorp
Classification: Likely benign for Nephronophthisis 15. Last evaluated: 2025-09-06. Review status: criteria provided, single submitter. Criteria: Invitae Variant Classification Sherloc (09022015). Collection method: clinical testing. Allele origin: germline.

PreventionGenetics, part of Exact Sciences
Classification: Likely benign for CEP164-related condition. Last evaluated: 2024-12-10. Review status: criteria provided, single submitter. Criteria: ACMG Guidelines, 2015. Collection method: clinical testing. Allele origin: germline.
Comment: This variant is classified as likely benign based on ACMG/AMP sequence variant interpretation guidelines (Richards et al. 2015 PMID: 25741868, with internal and published modifications).

Blueprint Genetics
Classification: Likely benign. Last evaluated: 2024-07-15. Review status: criteria provided, single submitter. Criteria: ACMG Guidelines, 2015. Collection method: clinical testing. Allele origin: germline.